The following is an entry in ClinVar:

ClinVar aggregate classification (germline): Uncertain significance (1 of 4 stars; one submission).

gnomAD v4.1: 1 of 1,613,784 alleles (0.000062%); highest among the groups gnomAD compares: African/African-American, 0.0013%; no homozygotes.

Submission:

Labcorp Genetics (formerly Invitae), Labcorp
Classification: Uncertain significance. Last evaluated: 2026-01-25. Review status: criteria provided, single submitter. Criteria: Invitae Variant Classification Sherloc (09022015). Collection method: clinical testing. Allele origin: germline.
Comment: This sequence change replaces histidine, which is basic and polar, with glutamine, which is neutral and polar, at codon 1668 of the CACNA1D protein (p.His1668Gln). This variant is not present in population databases (gnomAD no frequency). This variant has not been reported in the literature in individuals affected with CACNA1D-related conditions. An algorithm developed to predict the effect of missense changes on protein structure and function (PolyPhen-2) suggests that this variant is likely to be disruptive. In summary, the available evidence is currently insufficient to determine the role of this variant in disease. Therefore, it has been classified as a Variant of Uncertain Significance.

NM_001128840.3(CACNA1D):c.4944T>G (p.His1648Gln)

Gene: CACNA1D (calcium voltage-gated channel subunit alpha1 D; plus strand). Cytogenetic location: 3p21.1.
Variant type: single nucleotide variant.
Coding change: c.4944T>G on transcript NM_001128840.3 (MANE Select); coding-DNA position 4944, T replaced by G.
Protein change: p.His1648Gln; replaces histidine 1648 with glutamine.
Molecular consequence: missense variant.
Genome position (GRCh38, 1-based): chr3:53,800,269, T>G. VCF-style: chr3-53800269-T-G. GRCh37 (hg19) VCF-style: chr3-53834296-T-G.
Other names: c.5004T>G, p.His1668Gln (NM_000720.4); c.4899T>G, p.His1633Gln (NM_001128839.3); short protein forms H1633Q, H1648Q, H1668Q.
Identifiers: ClinVar variation 4797895 (VCV004797895.1).
Genomic context (GRCh38, chr3:53,800,269, plus strand): 5'-ATGTGTGGTCTAACCTGTTCTGCCATTTTCATTGATCTAGGCGGGATTAAGGACACTGCA[T>G]GACATTGGGCCAGAAATCCGGCGTGCTATATCGTGTGATTTGCAAGATGACGAGCCTGAG-3'
Protein context (NP_001122312.1, residues 1638-1658): IALQAGLRTL[His1648Gln]DIGPEIRRAI